The following is an entry in ClinVar:

NM_001033044.4(GLUL):c.269G>A (p.Arg90His)

Gene: GLUL (glutamate-ammonia ligase; minus strand). Cytogenetic location: 1q25.3.
Variant type: single nucleotide variant.
Coding change: c.269G>A on transcript NM_001033044.4 (MANE Select); coding-DNA position 269, G replaced by A.
Protein change: p.Arg90His; replaces arginine 90 with histidine.
Molecular consequence: missense variant.
Genome position (GRCh38, 1-based): chr1:182,387,190, C>T on the plus strand (G>A on the coding strand, the complement: GLUL is on the minus strand). VCF-style: chr1-182387190-C-T. GRCh37 (hg19) VCF-style: chr1-182356325-C-T.
Other names: c.269G>A, p.Arg90His (NM_001033056.4, NM_002065.7); short protein forms R90H.
Identifiers: ClinVar variation 4744588 (VCV004744588.1).

ClinVar aggregate classification (germline): Uncertain significance (1 of 4 stars; one submission).

Conditions:
Congenital brain dysgenesis due to glutamine synthetase deficiency (GLND). Also called: GLUTAMINE SYNTHASE DEFICIENCY, CONGENITAL SYSTEMIC. Identifiers: Orphanet 71278, MedGen C1864910, MONDO:0012393, OMIM 610015.

Submission:

Labcorp Genetics (formerly Invitae), Labcorp
Classification: Uncertain significance for Congenital brain dysgenesis due to glutamine synthetase deficiency. Last evaluated: 2025-09-03. Review status: criteria provided, single submitter. Criteria: Invitae Variant Classification Sherloc (09022015). Collection method: clinical testing. Allele origin: germline.
Comment: This sequence change replaces arginine, which is basic and polar, with histidine, which is basic and polar, at codon 90 of the GLUL protein (p.Arg90His). This variant is present in population databases (rs756642285, gnomAD 0.0009%). This variant has not been reported in the literature in individuals affected with GLUL-related conditions. Invitae Evidence Modeling of protein sequence and biophysical properties (such as structural, functional, and spatial information, amino acid conservation, physicochemical variation, residue mobility, and thermodynamic stability) indicates that this missense variant is not expected to disrupt GLUL protein function with a negative predictive value of 80%. In summary, the available evidence is currently insufficient to determine the role of this variant in disease. Therefore, it has been classified as a Variant of Uncertain Significance.